The following is an entry in ClinVar:

ClinVar aggregate classification (germline): Likely pathogenic. Review status: criteria provided, single submitter (1 of 4 stars). 2 submissions from 2 submitters: Likely pathogenic (1). 1 of the submissions does not count toward it. Last evaluated 2025-12-15.

Conditions:
PCNT-related disorder. Also called: PCNT-related condition.

gnomAD v4.1: 10 of 1,611,324 alleles (0.00062%); highest among the groups gnomAD compares: African/African-American, 0.0067%; no homozygotes.

Submissions (2):

Labcorp Genetics (formerly Invitae), Labcorp
Classification: Likely pathogenic. Last evaluated: 2025-12-15. Review status: criteria provided, single submitter. Criteria: Invitae Variant Classification Sherloc (09022015). Collection method: clinical testing. Allele origin: germline.
Comment: This sequence change affects an acceptor splice site in intron 44 of the PCNT gene. It is expected to disrupt RNA splicing. Variants that disrupt the donor or acceptor splice site typically lead to a loss of protein function (PMID: 16199547), and loss-of-function variants in PCNT are known to be pathogenic (PMID: 18174396, 22821869). This variant is present in population databases (no rsID available, gnomAD 0.01%). This variant has not been reported in the literature in individuals affected with PCNT-related conditions. ClinVar contains an entry for this variant (Variation ID: 2909543). Algorithms developed to predict the effect of sequence changes on RNA splicing suggest that this variant may disrupt the consensus splice site. In summary, the currently available evidence indicates that the variant is pathogenic, but additional data are needed to prove that conclusively. Therefore, this variant has been classified as Likely Pathogenic.

PreventionGenetics, part of Exact Sciences
Classification: Uncertain significance for PCNT-related condition. Last evaluated: 2024-05-22. Review status: no assertion criteria provided. Collection method: clinical testing. Allele origin: germline. Not counted in ClinVar's aggregate classification.
Comment: The PCNT c.9701-2A>G variant is predicted to disrupt the AG splice acceptor site and interfere with normal splicing. To our knowledge, this variant has not been reported in the literature. This variant is reported in 0.011% of alleles in individuals of African descent in gnomAD. Although splicing variants in PCNT are expected to be pathogenic, no splicing variants have been documented at this site or any downstream splice sites. Although we suspect that this variant may be pathogenic, at this time, the clinical significance of this variant is uncertain due to the absence of conclusive functional and genetic evidence.

Literature cited by the submitters: PubMed 16199547 (cited by Labcorp Genetics (formerly Invitae), Labcorp); PubMed 18174396 (cited by Labcorp Genetics (formerly Invitae), Labcorp); PubMed 22821869 (cited by Labcorp Genetics (formerly Invitae), Labcorp).

NM_006031.6(PCNT):c.9701-2A>G

Gene: PCNT (pericentrin; plus strand). Cytogenetic location: 21q22.3.
Variant type: single nucleotide variant.
Coding change: c.9701-2A>G on transcript NM_006031.6 (MANE Select); the canonical splice acceptor site of the intron before coding-DNA position 9701, A replaced by G.
Molecular consequence: splice acceptor variant.
Genome position (GRCh38, 1-based): chr21:46,443,808, A>G. VCF-style: chr21-46443808-A-G. GRCh37 (hg19) VCF-style: chr21-47863721-A-G.
Other names: c.9701-2A>G (NM_006031.5); c.9110-2A>G (NM_001315529.2).
Identifiers: ClinVar variation 2909543 (VCV002909543.4), dbSNP rs778234498, ClinGen allele CA322029593.